The following is an entry in ClinVar:

ClinVar aggregate classification (germline): Uncertain significance. Review status: criteria provided, multiple submitters, no conflicts (2 of 4 stars). 2 submissions from 2 submitters: Uncertain significance (2). Last evaluated 2024-03-19.

Conditions:
Inborn genetic diseases. Identifiers: MedGen C0950123, MeSH D030342.

Allele frequency attached by ClinVar (database versions not stated): gnomAD 0.00001; TOPMed 0.00001; ExAC 0.00002.
gnomAD v4.1: 20 of 1,613,792 alleles (0.0012%); highest among the groups gnomAD compares: Middle Eastern, 0.016%; no homozygotes.

Submissions (2):

Ambry Genetics
Classification: Uncertain significance for Inborn genetic diseases. Last evaluated: 2024-03-19. Review status: criteria provided, single submitter. Criteria: Ambry Variant Classification Scheme 2023. Collection method: clinical testing. Allele origin: germline.

Labcorp Genetics (formerly Invitae), Labcorp
Classification: Uncertain significance. Last evaluated: 2022-07-02. Review status: criteria provided, single submitter. Criteria: Invitae Variant Classification Sherloc (09022015). Collection method: clinical testing. Allele origin: germline.
Comment: This sequence change replaces proline, which is neutral and non-polar, with serine, which is neutral and polar, at codon 1973 of the DMXL2 protein (p.Pro1973Ser). This variant is present in population databases (rs760805945, gnomAD 0.004%). This variant has not been reported in the literature in individuals affected with DMXL2-related conditions. Algorithms developed to predict the effect of missense changes on protein structure and function (SIFT, PolyPhen-2, Align-GVGD) all suggest that this variant is likely to be tolerated. In summary, the available evidence is currently insufficient to determine the role of this variant in disease. Therefore, it has been classified as a Variant of Uncertain Significance.

NM_001378457.1(DMXL2):c.5917C>T (p.Pro1973Ser)

Gene: DMXL2 (Dmx like 2; minus strand). Cytogenetic location: 15q21.2.
Variant type: single nucleotide variant.
Coding change: c.5917C>T on transcript NM_001378457.1 (MANE Select); coding-DNA position 5917, C replaced by T.
Protein change: p.Pro1973Ser; replaces proline 1973 with serine.
Molecular consequence: missense variant. On other transcripts: non-coding transcript variant (2).
Genome position (GRCh38, 1-based): chr15:51,481,189, G>A on the plus strand (C>T on the coding strand, the complement: DMXL2 is on the minus strand). VCF-style: chr15-51481189-G-A. GRCh37 (hg19) VCF-style: chr15-51773386-G-A.
Other names: c.5917C>T, p.Pro1973Ser (NM_001174116.3, NM_001378458.1, NM_001378459.1 and 4 more transcripts); c.4009C>T, p.Pro1337Ser (NM_001174117.3); c.3898C>T, p.Pro1300Ser (NM_001378460.1); c.5677C>T, p.Pro1893Ser (NM_001378464.1); c.5917C>T (NM_001174116.1); short protein forms P1893S, P1300S, P1337S, P1973S.
Identifiers: ClinVar variation 1902721 (VCV001902721.3), dbSNP rs760805945, ClinGen allele CA7561719.